The following is an entry in ClinVar:

NM_001127208.3(TET2):c.172A>G (p.Lys58Glu)

Genes: TET2 (tet methylcytosine dioxygenase 2; plus strand), TET2-AS1 (TET2 antisense RNA 1; minus strand). Cytogenetic location: 4q24.
Variant type: single nucleotide variant.
Coding change: c.172A>G on transcript NM_001127208.3 (MANE Select); coding-DNA position 172, A replaced by G.
Protein change: p.Lys58Glu; replaces lysine 58 with glutamic acid.
Molecular consequence: missense variant.
Genome position (GRCh38, 1-based): chr4:105,234,114, A>G. VCF-style: chr4-105234114-A-G. GRCh37 (hg19) VCF-style: chr4-106155271-A-G.
Other names: c.172A>G, p.Lys58Glu (NM_017628.4); short protein forms K58E.
Identifiers: ClinVar variation 4182966 (VCV004182966.1).

ClinVar aggregate classification (germline): Uncertain significance (1 of 4 stars; one submission).

gnomAD v4.1: 3 of 1,614,046 alleles (0.00019%); highest among the groups gnomAD compares: African/African-American, 0.004%; no homozygotes.

Submission:

Ambry Genetics
Classification: Uncertain significance. Last evaluated: 2025-07-14. Review status: criteria provided, single submitter. Criteria: Ambry Variant Classification Scheme 2023. Collection method: clinical testing. Allele origin: germline.
Comment: The p.K58E variant (also known as c.172A>G), located in coding exon 1 of the TET2 gene, results from an A to G substitution at nucleotide position 172. The lysine at codon 58 is replaced by glutamic acid, an amino acid with similar properties. This amino acid position is conserved. In addition, this alteration is predicted to be tolerated by in silico analysis. Based on the available evidence, the clinical significance of this variant remains unclear.